The following is an entry in ClinVar:

ClinVar aggregate classification (germline): Uncertain significance (1 of 4 stars; one submission).

Submission:

GeneDx
Classification: Uncertain significance. Last evaluated: 2024-12-06. Review status: criteria provided, single submitter. Criteria: GeneDx Variant Classification Process June 2021. Collection method: clinical testing. Allele origin: germline. Affected: yes.
Comment: Not observed at significant frequency in large population cohorts (gnomAD); In silico analysis supports that this missense variant has a deleterious effect on protein structure/function; Has not been previously published as pathogenic or benign to our knowledge

NM_006922.4(SCN3A):c.5342G>A (p.Ser1781Asn)

Gene: SCN3A (sodium voltage-gated channel alpha subunit 3; minus strand). Cytogenetic location: 2q24.3.
Variant type: single nucleotide variant.
Coding change: c.5342G>A on transcript NM_006922.4 (MANE Select); coding-DNA position 5342, G replaced by A.
Protein change: p.Ser1781Asn; replaces serine 1781 with asparagine.
Molecular consequence: missense variant.
Genome position (GRCh38, 1-based): chr2:165,090,811, C>T on the plus strand (G>A on the coding strand, the complement: SCN3A is on the minus strand). VCF-style: chr2-165090811-C-T. GRCh37 (hg19) VCF-style: chr2-165947321-C-T.
Other names: c.5195G>A, p.Ser1732Asn (NM_001081676.2, NM_001081677.2); short protein forms S1732N, S1781N.
Identifiers: ClinVar variation 3901334 (VCV003901334.1).